The following is an entry in ClinVar:

ClinVar aggregate classification (germline): Uncertain significance (1 of 4 stars; one submission).

Conditions:
Glycogen storage disease IXd (GSD9D). Also called: Muscle Phosphorylase Kinase Deficiency; GSD IXd. Identifiers: Orphanet 715, MedGen C1845151, MONDO:0010362, OMIM 300559.

Allele frequency attached by ClinVar (database versions not stated): gnomAD exomes below 0.00001; TOPMed 0.00001; gnomAD 0.00002.
gnomAD v4.1: 5 of 1,204,362 alleles (0.00042%); highest among the groups gnomAD compares: African/African-American, 0.007%; no homozygotes.

Submission:

Labcorp Genetics (formerly Invitae), Labcorp
Classification: Uncertain significance for Glycogen storage disease IXd. Last evaluated: 2023-10-17. Review status: criteria provided, single submitter. Criteria: Invitae Variant Classification Sherloc (09022015). Collection method: clinical testing. Allele origin: germline.
Comment: This sequence change replaces glycine, which is neutral and non-polar, with arginine, which is basic and polar, at codon 1035 of the PHKA1 protein (p.Gly1035Arg). This variant is present in population databases (no rsID available, gnomAD 0.02%). This variant has not been reported in the literature in individuals affected with PHKA1-related conditions. An algorithm developed to predict the effect of missense changes on protein structure and function (PolyPhen-2) suggests that this variant is likely to be tolerated. Algorithms developed to predict the effect of sequence changes on RNA splicing suggest that this variant may disrupt the consensus splice site. In summary, the available evidence is currently insufficient to determine the role of this variant in disease. Therefore, it has been classified as a Variant of Uncertain Significance.

NM_002637.4(PHKA1):c.3103G>A (p.Gly1035Arg)

Gene: PHKA1 (phosphorylase kinase regulatory subunit alpha 1; minus strand). Cytogenetic location: Xq13.1.
Variant type: single nucleotide variant.
Coding change: c.3103G>A on transcript NM_002637.4 (MANE Select); coding-DNA position 3103, G replaced by A.
Protein change: p.Gly1035Arg; replaces glycine 1035 with arginine.
Molecular consequence: missense variant.
Genome position (GRCh38, 1-based): chrX:72,593,244, C>T on the plus strand (G>A on the coding strand, the complement: PHKA1 is on the minus strand). VCF-style: chrX-72593244-C-T. GRCh37 (hg19) VCF-style: chrX-71813094-C-T.
Other names: c.3064G>A, p.Gly1022Arg (NM_001122670.2); c.2887G>A, p.Gly963Arg (NM_001172436.2); short protein forms G963R, G1022R, G1035R.
Identifiers: ClinVar variation 2888281 (VCV002888281.3), dbSNP rs1556228532, ClinGen allele CA413585267.
Genomic context (GRCh38, chrX:72,593,244, plus strand): 5'-GCCATTGACCTTGACGACTATCTTTAGATGACTGCTGATCATATGCACTAGGAAAGGACC[C>T]ACTACTTGGAGTCATAGAGGTTCCAGGTGACTTGGAAGAGGAGAGGAAAGAACATAAATC-3'
Protein context (NP_002628.2, residues 1025-1045): SPGTSMTPSS[Gly1035Arg]SFPSAYDQQS